The following is an entry in ClinVar:

ClinVar aggregate classification (germline): Likely benign. Review status: criteria provided, multiple submitters, no conflicts (2 of 4 stars). 2 submissions from 2 submitters: Likely benign (2). Last evaluated 2025-03-19.

Conditions:
Familial thoracic aortic aneurysm and aortic dissection (TAAD). Also called: Thoracic aortic aneurysms and dissections. Identifiers: Orphanet 91387, MedGen C4707243, MONDO:0019625.
Marfan syndrome (MFS). Also called: Marfan syndrome type 1; Marfan syndrome, classic; Marfan's syndrome; FBN1-Related Marfan Syndrome; MARFAN SYNDROME, TYPE I. Identifiers: Orphanet 284963, Orphanet 558, MedGen C0024796, MONDO:0007947, OMIM 154700.

Allele frequency attached by ClinVar (database versions not stated): TOPMed 0.00001; gnomAD exomes below 0.00001.

Submissions (2):

Labcorp Genetics (formerly Invitae), Labcorp
Classification: Likely benign for Marfan syndrome; Familial thoracic aortic aneurysm and aortic dissection. Last evaluated: 2025-03-19. Review status: criteria provided, single submitter. Criteria: Invitae Variant Classification Sherloc (09022015). Collection method: clinical testing. Allele origin: germline.

All of Us Research Program, National Institutes of Health
Classification: Likely benign for Marfan syndrome. Last evaluated: 2023-12-13. Review status: criteria provided, single submitter. Criteria: ACMG Guidelines, 2015. Collection method: clinical testing. Allele origin: germline. Inheritance: Autosomal dominant inheritance. Observed: 3 variant alleles, 3 heterozygotes.
Comment: This study involves interpretation of variants in research participants for the purpose of population health screening. Participant phenotype was not available at the time of variant classification. Additional details can be found in publication PMID: 35346344, PMCID: PMC8962531

NM_000138.5(FBN1):c.5121T>C (p.Asp1707=)

Gene: FBN1 (fibrillin 1; minus strand). Cytogenetic location: 15q21.1.
Variant type: single nucleotide variant.
Coding change: c.5121T>C on transcript NM_000138.5 (MANE Select); coding-DNA position 5121, T replaced by C.
Protein change: p.Asp1707=; no amino-acid change (aspartic acid 1707 retained).
Molecular consequence: synonymous variant.
Genome position (GRCh38, 1-based): chr15:48,463,185, A>G on the plus strand (T>C on the coding strand, the complement: FBN1 is on the minus strand). VCF-style: chr15-48463185-A-G. GRCh37 (hg19) VCF-style: chr15-48755382-A-G.
Identifiers: ClinVar variation 527232 (VCV000527232.9), dbSNP rs1031351464, ClinGen allele CA269547734.